The following is an entry in ClinVar:

NM_001042681.2(RERE):c.4271C>T (p.Pro1424Leu)

Gene: RERE (arginine-glutamic acid dipeptide repeats; minus strand). Cytogenetic location: 1p36.23.
Variant type: single nucleotide variant.
Coding change: c.4271C>T on transcript NM_001042681.2 (MANE Select); coding-DNA position 4271, C replaced by T.
Protein change: p.Pro1424Leu; replaces proline 1424 with leucine.
Molecular consequence: missense variant.
Genome position (GRCh38, 1-based): chr1:8,358,264, G>A on the plus strand (C>T on the coding strand, the complement: RERE is on the minus strand). VCF-style: chr1-8358264-G-A. GRCh37 (hg19) VCF-style: chr1-8418324-G-A.
Other names: c.2609C>T, p.Pro870Leu (NM_001042682.2); c.4271C>T, p.Pro1424Leu (NM_012102.4); short protein forms P1424L, P870L.
Identifiers: ClinVar variation 1254418 (VCV001254418.6), dbSNP rs2124359087, ClinGen allele CA338168862.

ClinVar aggregate classification (germline): Pathogenic/Likely pathogenic. Review status: criteria provided, multiple submitters, no conflicts (2 of 4 stars). 3 submissions from 3 submitters: Pathogenic (2); Likely pathogenic (1). Last evaluated 2025-08-05.

Conditions:
Inborn genetic diseases. Identifiers: MedGen C0950123, MeSH D030342.
Neurodevelopmental disorder with or without anomalies of the brain, eye, or heart (NEDBEH). Identifiers: Orphanet 494344, MedGen C5567477, MONDO:0014857, OMIM 616975.

Submissions (3):

Daryl Scott Lab, Baylor College of Medicine
Classification: Likely pathogenic for Neurodevelopmental disorder with or without anomalies of the brain, eye, or heart. Last evaluated: 2025-08-05. Review status: criteria provided, single submitter. Criteria: ACMG Guidelines, 2015. Collection method: clinical testing. Allele origin: de novo. Affected: yes. Observed: 1 heterozygote.
Comment: PS2, PM2, PP3

Ambry Genetics
Classification: Pathogenic for Inborn genetic diseases. Last evaluated: 2024-12-31. Review status: criteria provided, single submitter. Criteria: Ambry Variant Classification Scheme 2023. Collection method: clinical testing. Allele origin: germline.
Comment: The c.4271C>T (p.P1424L) alteration is located in exon 21 (coding exon 19) of the RERE gene. This alteration results from a C to T substitution at nucleotide position 4271, causing the proline (P) at amino acid position 1424 to be replaced by a leucine (L). This variant was not reported in population-based cohorts in the Genome Aggregation Database (gnomAD). This variant was determined to be de novo in at least one individual with features consistent with RERE-related neurodevelopmental disorder with or without congenital anomalies (external communication). This amino acid position is highly conserved in available vertebrate species. This alteration is predicted to be deleterious by in silico analysis. Based on the available evidence, this alteration is classified as pathogenic.

GeneDx
Classification: Pathogenic. Last evaluated: 2024-03-19. Review status: criteria provided, single submitter. Criteria: GeneDx Variant Classification Process June 2021. Collection method: clinical testing. Allele origin: germline. Affected: yes.
Comment: Not observed at significant frequency in large population cohorts (gnomAD); In silico analysis supports that this missense variant has a deleterious effect on protein structure/function; Has not been previously published as pathogenic or benign to our knowledge